The following is an entry in ClinVar:

NM_004646.4(NPHS1):c.791C>G (p.Pro264Arg)

Gene: NPHS1 (NPHS1 adhesion molecule, nephrin; minus strand). Cytogenetic location: 19q13.12.
Variant type: single nucleotide variant.
Coding change: c.791C>G on transcript NM_004646.4 (MANE Select); coding-DNA position 791, C replaced by G.
Protein change: p.Pro264Arg; replaces proline 264 with arginine.
Molecular consequence: missense variant.
Genome position (GRCh38, 1-based): chr19:35,849,285, G>C on the plus strand (C>G on the coding strand, the complement: NPHS1 is on the minus strand). VCF-style: chr19-35849285-G-C. GRCh37 (hg19) VCF-style: chr19-36340187-G-C.
Other names: short protein forms P264R.
Identifiers: ClinVar variation 198518 (VCV000198518.61), dbSNP rs34982899, ClinGen allele CA203482.

ClinVar aggregate classification (germline): Benign/Likely benign. Review status: criteria provided, multiple submitters, no conflicts (2 of 4 stars). 15 submissions from 15 submitters: Benign (8); Likely benign (4). 3 of the submissions do not count toward it. Last evaluated 2026-09-01.

Conditions:
Finnish congenital nephrotic syndrome (NPHS1). Also called: NEPHROTIC SYNDROME, TYPE 1. Identifiers: Orphanet 839, MedGen C0403399, MONDO:0009732, OMIM 256300.
Congenital nephrotic syndrome. Also called: Familial nephrotic syndrome. Identifiers: MedGen C3501848, MeSH C535761, MONDO:0002350, HP:0008677.
Focal segmental glomerulosclerosis (FSGS). Also called: Glomerulosclerosis, focal; Focal sclerosis with hyalinosis. Identifiers: MedGen C0017668, MONDO:0100313, HP:0000097. Disease mechanism: loss of function.

Allele frequency attached by ClinVar (database versions not stated): 1000 Genomes Project 0.01078; 1000 Genomes Project 30x 0.01124; ESP Exome Variant Server 0.01599; TOPMed 0.01617.
gnomAD v4.1: 24,031 of 1,613,038 alleles (1.5%); highest among the groups gnomAD compares: Middle Eastern, 2.9%; 229 homozygotes.

Submissions (15):

CeGaT Center for Human Genetics Tuebingen
Classification: Benign. Last evaluated: 2026-09-01. Review status: criteria provided, single submitter. Criteria: CeGaT Center For Human Genetics Tuebingen Variant Classification Criteria Version 2. Collection method: clinical testing. Allele origin: germline. Affected: yes. Observed: 14 variant alleles.
Comment: NPHS1: BP4, BS1, BS2

Labcorp Genetics (formerly Invitae), Labcorp
Classification: Benign. Last evaluated: 2026-02-04. Review status: criteria provided, single submitter. Criteria: Invitae Variant Classification Sherloc (09022015). Collection method: clinical testing. Allele origin: germline.

Blueprint Genetics
Classification: Likely benign. Last evaluated: 2024-11-28. Review status: criteria provided, single submitter. Criteria: ACMG Guidelines, 2015. Collection method: clinical testing. Allele origin: germline.

Mayo Clinic Laboratories, Mayo Clinic
Classification: Benign. Last evaluated: 2023-12-13. Review status: criteria provided, single submitter. Criteria: ACMG Guidelines, 2015. Collection method: clinical testing. Allele origin: germline. Observed: 3 variant alleles.
Comment: BS1, BS2

Genome Diagnostics Laboratory, The Hospital for Sick Children
Classification: Likely benign for Focal segmental glomerulosclerosis. Last evaluated: 2022-03-09. Review status: criteria provided, single submitter. Criteria: ACMG Guidelines, 2015. Collection method: clinical testing. Allele origin: germline.

GeneDx
Classification: Benign. Last evaluated: 2020-04-14. Review status: criteria provided, single submitter. Criteria: GeneDx Variant Classification Process June 2021. Collection method: clinical testing. Allele origin: germline. Affected: yes.
Comment: This variant is associated with the following publications: (PMID: 20507940, 24371179, 23595123, 20981092, 18443213, 21228398, 11854170, 27535533, 27884173, 26346198)

Women's Health and Genetics/Laboratory Corporation of America, LabCorp
Classification: Benign. Last evaluated: 2018-04-20. Review status: criteria provided, single submitter. Criteria: LabCorp Variant Classification Summary - May 2015. Collection method: clinical testing. Allele origin: germline.
Comment: Variant summary: NPHS1 c.791C>G (p.Pro264Arg) results in a non-conservative amino acid change located in the Immunoglobulin-like domain of the encoded protein sequence. Four of five in-silico tools predict a benign effect of the variant on protein function. The variant allele was found at a frequency of 0.015 in 275302 control chromosomes in the gnomAD database, including 54 homozygotes. The observed variant frequency is approximately 4.5 fold above the estimated maximal expected allele frequency for a pathogenic variant in NPHS1 causing Nephrotic Syndrome, Type 1 phenotype (0.0034), strongly suggesting that the variant is benign. c.791C>G has been reported in the literature in individuals affected with Nephrotic Syndrome, Type 1, without strong evidence for causality. In addition, the variant was found in a patient in cis with a likely pathogenic NPHS1 mutation, which was inherited from a healthy father, further supporting a benign role (Fylaktou_2013). To our knowledge, no experimental evidence demonstrating an impact on protein function has been reported. One clinical diagnostic laboratory has submitted clinical-significance assessments for this variant to ClinVar after 2014 and classified the variant as benign. Based on the evidence outlined above, the variant was classified as benign.

Athena Diagnostics
Classification: Benign. Last evaluated: 2018-02-06. Review status: criteria provided, single submitter. Criteria: Athena Diagnostics Criteria. Collection method: clinical testing. Allele origin: germline.

Illumina Laboratory Services, Illumina
Classification: Likely benign for Congenital nephrotic syndrome. Last evaluated: 2017-04-27. Review status: criteria provided, single submitter. Criteria: ICSL Variant Classification Criteria 13 December 2019. Collection method: clinical testing. Allele origin: germline.
Comment: This variant was observed as part of a predisposition screen in an ostensibly healthy population. A literature search was performed for the gene, cDNA change, and amino acid change (where applicable). Publications were found based on this search. The evidence from the literature, in combination with allele frequency data from public databases where available, was sufficient to determine this variant is unlikely to cause disease. Therefore, this variant is classified as likely benign.

Eurofins Ntd Llc (ga)
Classification: Benign. Last evaluated: 2015-03-30. Review status: criteria provided, single submitter. Criteria: EGL Classification Definitions 2015. Collection method: clinical testing. Allele origin: germline. Observed: 1 variant allele, 1 heterozygote.

Breakthrough Genomics
Classification: Likely benign. Review status: criteria provided, single submitter. Criteria: ACMG Guidelines, 2015. Collection method: not provided. Allele origin: germline. Inheritance: Autosomal recessive inheritance. Affected: yes.

Broad Center for Mendelian Genomics, Broad Institute of MIT and Harvard
Classification: Benign for Finnish congenital nephrotic syndrome. Review status: criteria provided, single submitter. Criteria: ACMG Guidelines, 2015. Collection method: research. Allele origin: germline. Inheritance: Autosomal recessive inheritance. Affected: yes.
Comment: The heterozygous p.Pro264Arg variant in NPHS1 has been identified in an individual with Finnish type congenital nephrotic syndrome (PMID: 11854170), but has also been identified in >3% of European (Finnish) chromosomes and 20 homozygotes by ExAC. In summary, this variant meets criteria to be classified as benign for autosomal recessive Finnish type congenital nephrotic syndrome.

Natera, Inc.
Classification: Benign for Finnish congenital nephrotic syndrome. Last evaluated: 2020-09-16. Review status: no assertion criteria provided. Collection method: clinical testing. Allele origin: germline. Not counted in ClinVar's aggregate classification.

Diagnostic Laboratory, Department of Genetics, University Medical Center Groningen
Classification: Likely benign. Review status: no assertion criteria provided. Collection method: clinical testing. Allele origin: germline. Affected: yes. Study: VKGL Data-share Consensus. Not counted in ClinVar's aggregate classification.

Genome Diagnostics Laboratory, University Medical Center Utrecht
Classification: Benign. Review status: no assertion criteria provided. Collection method: clinical testing. Allele origin: germline. Affected: yes. Study: VKGL Data-share Consensus. Not counted in ClinVar's aggregate classification.

Literature cited by the submitters: PubMed 23595123 (cited by 3 submitters); PubMed 20507940 (cited by Women's Health and Genetics/Laboratory Corporation of America, LabCorp and Athena Diagnostics); PubMed 24371179 (cited by 3 submitters); PubMed 27019444 (cited by Women's Health and Genetics/Laboratory Corporation of America, LabCorp); PubMed 20981092 (cited by Athena Diagnostics); PubMed 27884173 (cited by Athena Diagnostics); PubMed 21228398 (cited by Athena Diagnostics); PubMed 26346198 (cited by Athena Diagnostics); PubMed 27535533 (cited by Athena Diagnostics); PubMed 11317351 (cited by Athena Diagnostics); PubMed 25804400 (cited by Athena Diagnostics); PubMed 22565185 (cited by Athena Diagnostics); PubMed 26560236 (cited by Athena Diagnostics); PubMed 23349334 (cited by Athena Diagnostics); PubMed 11854170 (cited by Athena Diagnostics and Illumina Laboratory Services, Illumina); PubMed 17371932 (cited by Athena Diagnostics); PubMed 18443213 (cited by Athena Diagnostics); PubMed 19808243 (cited by Athena Diagnostics); PubMed 19812541 (cited by Athena Diagnostics).